The following is an entry in ClinVar:

ClinVar aggregate classification (germline): Pathogenic (1 of 4 stars; one submission).

Conditions:
Cystic fibrosis (CF). Also called: MUCOVISCIDOSIS. Identifiers: Orphanet 586, MedGen C0010674, MONDO:0009061, OMIM 219700. Disease mechanism: loss of function.

Submission:

Labcorp Genetics (formerly Invitae), Labcorp
Classification: Pathogenic for Cystic fibrosis. Last evaluated: 2022-11-20. Review status: criteria provided, single submitter. Criteria: Invitae Variant Classification Sherloc (09022015). Collection method: clinical testing. Allele origin: germline.
Comment: For these reasons, this variant has been classified as Pathogenic. This variant has not been reported in the literature in individuals affected with CFTR-related conditions. This variant is not present in population databases (gnomAD no frequency). This sequence change creates a premature translational stop signal (p.Thr604Ilefs*7) in the CFTR gene. It is expected to result in an absent or disrupted protein product. Loss-of-function variants in CFTR are known to be pathogenic (PMID: 1695717, 7691345, 9725922).

Literature cited by the submitters: PubMed 1695717; PubMed 7691345; PubMed 9725922.

NM_000492.4(CFTR):c.1811del (p.Thr604fs)

Gene: CFTR (CF transmembrane conductance regulator; plus strand). Cytogenetic location: 7q31.2.
Variant type: Deletion.
Coding change: c.1811del on transcript NM_000492.4 (MANE Select); coding-DNA position 1811, one base deleted (C; older notation c.1811delC).
Protein change: p.Thr604fs; shifts the reading frame from threonine 604.
Molecular consequence: frameshift variant.
Genome position (GRCh38, 1-based): chr7:117,591,978, C deleted. VCF-style (leftmost placement, unchanged base first): chr7-117591977-AC-A. GRCh37 (hg19) VCF-style: chr7-117232031-AC-A.
Other names: short protein forms T604fs.
Identifiers: ClinVar variation 2815438 (VCV002815438.3), dbSNP rs2485109124, ClinGen allele CA2739278626.
Genomic context (GRCh38, chr7:117,591,977, plus strand): 5'-GTTTTTATATCTTAAAGCTGTGTCTGTAAACTGATGGCTAACAAAACTAGGATTTTGGTC[AC>A]TTCTAAAATGGAACATTTAAAGAAAGCTGACAAAATATTAATTTTGCATGAAGGTAGCAG-3'